The following is an entry in ClinVar:

NM_000195.5(HPS1):c.828_829insGGGAGGCAGAAGGGGTGGAGGGAGCCAGGTCAGATAGGAGCTAACCAGC (p.His277fs)

Gene: HPS1 (HPS1 biogenesis of lysosomal organelles complex 3 subunit 1; minus strand). Cytogenetic location: 10q24.2.
Variant type: Insertion.
Coding change: c.828_829insGGGAGGCAGAAGGGGTGGAGGGAGCCAGGTCAGATAGGAGCTAACCAGC on transcript NM_000195.5 (MANE Select); coding-DNA positions 828 to 829, GGGAGGCAGAAGGGGTGGAGGGAGCCAGGTCAGATAGGAGCTAACCAGC inserted.
Protein change: p.His277fs; shifts the reading frame from histidine 277.
Molecular consequence: frameshift variant. On other transcripts: 5 prime UTR variant (1), nonsense (1), inframe insertion (1), intron variant (8).
Genome position: GRCh38: chr10:98,429,829-98,429,830. GRCh37 (hg19): chr10:100,189,586-100,189,587.
Other names: c.828_829insGGGAGGCAGAAGGGGTGGAGGGAGCCAGGTCAGATAGGAGCTAACCAGC, p.His277fs (NM_001322476.2, NM_001322477.2, NM_182639.4); c.567_568insGGGAGGCAGAAGGGGTGGAGGGAGCCAGGTCAGATAGGAGCTAACCAGC, p.His190fs (NM_001322480.2, NM_001322481.2); c.459_460insGGGAGGCAGAAGGGGTGGAGGGAGCCAGGTCAGATAGGAGCTAACCAGC, p.His154fs (NM_001322483.2, NM_001322484.2); c.-145_-144insGGGAGGCAGAAGGGGTGGAGGGAGCCAGGTCAGATAGGAGCTAACCAGC (NM_001322487.2); c.710_711insGGGAGGCAGAAGGGGTGGAGGGAGCCAGGTCAGATAGGAGCTAACCAGC, p.Leu237_Thr238insGlyGlyArgArgGlyGlyGlySerGlnValArgTer (NM_001322490.2); c.769-188_769-187insGGGAGGCAGAAGGGGTGGAGGGAGCCAGGTCAGATAGGAGCTAACCAGC (NM_001322478.2, NM_001322479.2, NM_001322491.2); c.400-188_400-187insGGGAGGCAGAAGGGGTGGAGGGAGCCAGGTCAGATAGGAGCTAACCAGC (NM_001322485.2); c.508-188_508-187insGGGAGGCAGAAGGGGTGGAGGGAGCCAGGTCAGATAGGAGCTAACCAGC (NM_001322482.2); and 2 more; short protein forms H277fs, H154fs, H190fs.
Identifiers: ClinVar variation 2134957 (VCV002134957.4), dbSNP rs2538904004, ClinGen allele CA2580082556.

ClinVar aggregate classification (germline): Pathogenic (1 of 4 stars; one submission).

Submission:

Labcorp Genetics (formerly Invitae), Labcorp
Classification: Pathogenic. Last evaluated: 2023-04-14. Review status: criteria provided, single submitter. Criteria: Invitae Variant Classification Sherloc (09022015). Collection method: clinical testing. Allele origin: germline.
Comment: This sequence change creates a premature translational stop signal (p.His277Glyfs*38) in the HPS1 gene. It is expected to result in an absent or disrupted protein product. Loss-of-function variants in HPS1 are known to be pathogenic (PMID: 12442288, 16185271). For these reasons, this variant has been classified as Pathogenic. Algorithms developed to predict the effect of sequence changes on RNA splicing suggest that this variant may disrupt the consensus splice site. ClinVar contains an entry for this variant (Variation ID: 2134957). This variant has not been reported in the literature in individuals affected with HPS1-related conditions. This variant is not present in population databases (gnomAD no frequency).

Literature cited by the submitters: PubMed 12442288; PubMed 16185271.